The following is an entry in ClinVar:

NR_001566.3(TERC):n.246G>A

Genes: TERC (telomerase RNA component; minus strand), LOC110806306 (telomerase RNA component (TERC) promoter; plus strand). Cytogenetic location: 3q26.2.
Variant type: single nucleotide variant.
Genome position: GRCh38 VCF-style: chr3-169764815-C-T. GRCh37 (hg19) VCF-style: chr3-169482603-C-T.
Identifiers: ClinVar variation 1022075 (VCV001022075.14), dbSNP rs1377926219, ClinGen allele CA436715292.

ClinVar aggregate classification (germline): Uncertain significance. Review status: criteria provided, multiple submitters, no conflicts (2 of 4 stars). 3 submissions from 3 submitters: Uncertain significance (3). Last evaluated 2023-09-15.

Conditions:
Dyskeratosis congenita, autosomal dominant 1 (DKCA1). Also called: Dyskeratosis congenita Scoggins type. Identifiers: Orphanet 1775, MedGen C4551974, MONDO:0007485, OMIM 127550. Inheritance: Variable.

Allele frequency attached by ClinVar (database versions not stated): TOPMed below 0.00001.

Submissions (3):

Labcorp Genetics (formerly Invitae), Labcorp
Classification: Uncertain significance for Dyskeratosis congenita, autosomal dominant 1. Last evaluated: 2023-09-15. Review status: criteria provided, single submitter. Criteria: Invitae Variant Classification Sherloc (09022015). Collection method: clinical testing. Allele origin: germline.
Comment: In summary, the available evidence is currently insufficient to determine the role of this variant in disease. Therefore, it has been classified as a Variant of Uncertain Significance. This variant is located within the conserved regions 4 and 5 (CR4-CR5) domain of the TERC RNA component, which is required for telomerase activity (PMID: 15082312, 21844345). ClinVar contains an entry for this variant (Variation ID: 1022075). This variant has not been reported in the literature in individuals affected with TERC-related conditions. This variant is not present in population databases (gnomAD no frequency). This variant occurs in the TERC gene, which encodes an RNA molecule that does not result in a protein product.

Mayo Clinic Laboratories, Mayo Clinic
Classification: Uncertain significance. Last evaluated: 2019-06-23. Review status: criteria provided, single submitter. Criteria: ACMG Guidelines, 2015. Collection method: clinical testing. Allele origin: germline. Observed: 1 variant allele.

Blueprint Genetics
Classification: Uncertain significance. Last evaluated: 2018-04-12. Review status: criteria provided, single submitter. Criteria: ACMG Guidelines, 2015. Collection method: clinical testing. Allele origin: germline.

Literature cited by the submitters: PubMed 15082312 (cited by Labcorp Genetics (formerly Invitae), Labcorp); PubMed 21844345 (cited by Labcorp Genetics (formerly Invitae), Labcorp).